The following is an entry in ClinVar:

NM_021738.3(SVIL):c.6039T>C (p.Phe2013=)

Genes: SVIL-AS1 (SVIL antisense RNA 1; plus strand), SVIL (supervillin; minus strand). Cytogenetic location: 10p11.23.
Variant type: single nucleotide variant.
Coding change: c.6039T>C on transcript NM_021738.3 (MANE Select); coding-DNA position 6039, T replaced by C.
Protein change: p.Phe2013=; no amino-acid change (phenylalanine 2013 retained).
Molecular consequence: synonymous variant.
Genome position (GRCh38, 1-based): chr10:29,465,689, A>G on the plus strand (T>C on the coding strand, the complement: SVIL is on the minus strand). VCF-style: chr10-29465689-A-G. GRCh37 (hg19) VCF-style: chr10-29754618-A-G.
Other names: c.5109T>C, p.Phe1703= (NM_001323599.2); c.4857T>C, p.Phe1619= (NM_001323600.1); c.4761T>C, p.Phe1587= (NM_003174.3).
Identifiers: ClinVar variation 4083770 (VCV004083770.9).

ClinVar aggregate classification (germline): Likely benign. Review status: criteria provided, multiple submitters, no conflicts (2 of 4 stars). 2 submissions from 2 submitters: Likely benign (2). Last evaluated 2025-07-01.

gnomAD v4.1: 228 of 1,613,328 alleles (0.014%); highest among the groups gnomAD compares: African/African-American, 0.15%; no homozygotes.

Submissions (2):

CeGaT Center for Human Genetics Tuebingen
Classification: Likely benign. Last evaluated: 2025-07-01. Review status: criteria provided, single submitter. Criteria: CeGaT Center For Human Genetics Tuebingen Variant Classification Criteria Version 2. Collection method: clinical testing. Allele origin: germline. Affected: yes. Observed: 1 variant allele.
Comment: SVIL: BP4, BP7

Blueprint Genetics
Classification: Likely benign. Last evaluated: 2024-06-10. Review status: criteria provided, single submitter. Criteria: ACMG Guidelines, 2015. Collection method: clinical testing. Allele origin: germline.